The following is an entry in ClinVar:

ClinVar aggregate classification (germline): Uncertain significance (1 of 4 stars; one submission).

gnomAD v4.1: 1 of 1,614,212 alleles (0.000062%); highest among the groups gnomAD compares: Non-Finnish European, 0.000085%; no homozygotes.

Submission:

GeneDx
Classification: Uncertain significance. Last evaluated: 2025-04-23. Review status: criteria provided, single submitter. Criteria: GeneDx Variant Classification Process June 2021. Collection method: clinical testing. Allele origin: germline. Affected: yes.
Comment: Not observed at significant frequency in large population cohorts (gnomAD); In silico analysis supports that this missense variant has a deleterious effect on protein structure/function; Has not been previously published as pathogenic or benign to our knowledge

NM_006445.4(PRPF8):c.4259A>G (p.Asn1420Ser)

Gene: PRPF8 (pre-mRNA processing factor 8; minus strand). Cytogenetic location: 17p13.3.
Variant type: single nucleotide variant.
Coding change: c.4259A>G on transcript NM_006445.4 (MANE Select); coding-DNA position 4259, A replaced by G.
Protein change: p.Asn1420Ser; replaces asparagine 1420 with serine.
Molecular consequence: missense variant.
Genome position (GRCh38, 1-based): chr17:1,661,350, T>C on the plus strand (A>G on the coding strand, the complement: PRPF8 is on the minus strand). VCF-style: chr17-1661350-T-C. GRCh37 (hg19) VCF-style: chr17-1564644-T-C.
Other names: short protein forms N1420S.
Identifiers: ClinVar variation 4527532 (VCV004527532.1).